The following is an entry in ClinVar:

NC_000023.10:g.(?_31792057)_(31897527_?)del

Gene: DMD (dystrophin; minus strand). Cytogenetic location: Xp21.1.
Variant type: Deletion.
Identifiers: ClinVar variation 3248215 (VCV003248215.1).

ClinVar aggregate classification (germline): Pathogenic (1 of 4 stars; one submission).

Conditions:
Duchenne muscular dystrophy (DMD). Also called: MUSCULAR DYSTROPHY, PSEUDOHYPERTROPHIC PROGRESSIVE, DUCHENNE TYPE; Duchenne Muscular Dystrophy (DMD). Identifiers: Orphanet 98896, MedGen C0013264, MONDO:0010679, OMIM 310200.

Submission:

Labcorp Genetics (formerly Invitae), Labcorp
Classification: Pathogenic for Duchenne muscular dystrophy. Last evaluated: 2024-01-18. Review status: criteria provided, single submitter. Criteria: Invitae Variant Classification Sherloc (09022015). Collection method: clinical testing. Allele origin: unknown.
Comment: This variant is a gross deletion of the genomic region encompassing exon(s) 48-51 of the DMD gene. This variant would be expected to be in-frame, preserving the integrity of the reading frame. A similar copy number variant has been observed in individuals with Duchenne or Becker muscular dystrophy (PMID: 9007319, 16770791, 19367636, 20153965). For these reasons, this variant has been classified as Pathogenic.

Literature cited by the submitters: PubMed 9007319; PubMed 16770791; PubMed 19367636; PubMed 20153965.